The following is an entry in ClinVar:

NM_017514.5(PLXNA3):c.3899G>A (p.Arg1300Gln)

Gene: PLXNA3 (plexin A3; plus strand). Cytogenetic location: Xq28.
Variant type: single nucleotide variant.
Coding change: c.3899G>A on transcript NM_017514.5 (MANE Select); coding-DNA position 3899, G replaced by A.
Protein change: p.Arg1300Gln; replaces arginine 1300 with glutamine.
Molecular consequence: missense variant.
Genome position (GRCh38, 1-based): chrX:154,468,160, G>A. VCF-style: chrX-154468160-G-A. GRCh37 (hg19) VCF-style: chrX-153696503-G-A.
Other names: NC_000023.10:g.153696503G>A; short protein forms R1300Q.
Identifiers: ClinVar variation 4479319 (VCV004479319.2).

ClinVar aggregate classification (germline): Uncertain significance (1 of 4 stars; one submission).

Conditions:
PLXNA3-related disorder. Also called: PLXNA3-related condition.

gnomAD v4.1: 10 of 1,188,360 alleles (0.00084%); highest among the groups gnomAD compares: Middle Eastern, 0.024%; no homozygotes.

Submissions (2):

PreventionGenetics, part of Exact Sciences
Classification: Uncertain significance for PLXNA3-related condition. Last evaluated: 2025-01-11. Review status: criteria provided, single submitter. Criteria: ACMG Guidelines, 2015. Collection method: clinical testing. Allele origin: germline.
Comment: The PLXNA3 c.3899G>A variant is predicted to result in the amino acid substitution p.Arg1300Gln. To our knowledge, this variant has not been reported in the literature. This variant is reported in 0.0027% of alleles in individuals of European (Non-Finnish) descent in gnomAD. At this time, the clinical significance of this variant is uncertain due to the absence of conclusive functional and genetic evidence.

Dr. Peter K. Rogan Lab, Western University
No classification provided (evidence only). Condition: Thyroid cancer, nonmedullary, 1. Review status: no classification provided. Collection method: in vitro. Allele origin: not applicable. Functional consequence: retained intron. Not counted in ClinVar's aggregate classification.